The following is an entry in ClinVar:

ClinVar aggregate classification (germline): Uncertain significance (1 of 4 stars; one submission).

Submission:

Labcorp Genetics (formerly Invitae), Labcorp
Classification: Uncertain significance. Last evaluated: 2025-04-26. Review status: criteria provided, single submitter. Criteria: Invitae Variant Classification Sherloc (09022015). Collection method: clinical testing. Allele origin: germline.
Comment: This sequence change replaces histidine, which is basic and polar, with proline, which is neutral and non-polar, at codon 185 of the ANKZF1 protein (p.His185Pro). This variant is present in population databases (no rsID available, gnomAD 0.006%). This variant has not been reported in the literature in individuals affected with ANKZF1-related conditions. An algorithm developed to predict the effect of missense changes on protein structure and function (PolyPhen-2) suggests that this variant is likely to be tolerated. In summary, the available evidence is currently insufficient to determine the role of this variant in disease. Therefore, it has been classified as a Variant of Uncertain Significance.

NM_018089.3(ANKZF1):c.554A>C (p.His185Pro)

Gene: ANKZF1 (ankyrin repeat and zinc finger peptidyl tRNA hydrolase 1; plus strand). Cytogenetic location: 2q35.
Variant type: single nucleotide variant.
Coding change: c.554A>C on transcript NM_018089.3 (MANE Select); coding-DNA position 554, A replaced by C.
Protein change: p.His185Pro; replaces histidine 185 with proline.
Molecular consequence: missense variant. On other transcripts: 5 prime UTR variant (1).
Genome position (GRCh38, 1-based): chr2:219,232,679, A>C. VCF-style: chr2-219232679-A-C. GRCh37 (hg19) VCF-style: chr2-220097401-A-C.
Other names: c.554A>C, p.His185Pro (NM_001042410.2); c.-77A>C (NM_001282792.2); short protein forms H185P.
Identifiers: ClinVar variation 4753138 (VCV004753138.1).